The following is an entry in ClinVar:

ClinVar aggregate classification (germline): Uncertain significance. Review status: criteria provided, single submitter (1 of 4 stars). 2 submissions from 2 submitters: Uncertain significance (1). 1 of the submissions does not count toward it. Last evaluated 2024-12-18.

Conditions:
Autosomal recessive nonsyndromic hearing loss 7. Also called: DEAFNESS, AUTOSOMAL RECESSIVE 11. Identifiers: Orphanet 90636, MedGen C1832978, MONDO:0010967, OMIM 600974.
Autosomal dominant nonsyndromic hearing loss 36. Identifiers: Orphanet 90635, MedGen C1847626, MONDO:0011708, OMIM 606705.

Allele frequency attached by ClinVar (database versions not stated): TOPMed below 0.00001; ExAC 0.00001; gnomAD exomes 0.00002 and 0.00004.
gnomAD v4.1: 51 of 1,610,320 alleles (0.0032%); highest among the groups gnomAD compares: Non-Finnish European, 0.004%; no homozygotes.

Submissions (2):

Women's Health and Genetics/Laboratory Corporation of America, LabCorp
Classification: Uncertain significance. Last evaluated: 2024-12-18. Review status: criteria provided, single submitter. Criteria: LabCorp Variant Classification Summary - May 2015. Collection method: clinical testing. Allele origin: germline.
Comment: Variant summary: TMC1 c.624C>A (p.Ser208Arg) results in a non-conservative amino acid change in the encoded protein sequence. Three of five in-silico tools predict a damaging effect of the variant on protein function. The variant allele was found at a frequency of 1.6e-05 in 251220 control chromosomes. The available data on variant occurrences in the general population are insufficient to allow any conclusion about variant significance. c.624C>A has been reported in the literature in individuals affected with Nhearing loss (example, Guan_2021, He_2018, Shearer_2013, Yuan_2019). These data do not allow any conclusion about variant significance. At least one publication reports experimental evidence evaluating an impact on protein function, however, does not allow convincing conclusions about the variant effect (Vache_2021). The following publications have been ascertained in the context of this evaluation (PMID: 34416374, 29178603, 23804846, 34857896, 31541171). ClinVar contains an entry for this variant (Variation ID: 417922). Based on the evidence outlined above, the variant was classified as uncertain significance.

Division of Human Genetics, Children's Hospital of Philadelphia
Classification: Uncertain significance for Autosomal recessive nonsyndromic hearing loss 7; Autosomal dominant nonsyndromic hearing loss 36. Last evaluated: 2016-02-25. Review status: no assertion criteria provided. Collection method: research. Allele origin: maternal. Affected: yes. Study: CSER-PediSeq. Not counted in ClinVar's aggregate classification.

Literature cited by the submitters: PubMed 31541171 (cited by Women's Health and Genetics/Laboratory Corporation of America, LabCorp); PubMed 23804846 (cited by Women's Health and Genetics/Laboratory Corporation of America, LabCorp); PubMed 29178603 (cited by Women's Health and Genetics/Laboratory Corporation of America, LabCorp); PubMed 34416374 (cited by Women's Health and Genetics/Laboratory Corporation of America, LabCorp); PubMed 34857896 (cited by Women's Health and Genetics/Laboratory Corporation of America, LabCorp); PubMed 11850618 (cited by Division of Human Genetics, Children's Hospital of Philadelphia).

NM_138691.3(TMC1):c.624C>A (p.Ser208Arg)

Gene: TMC1 (transmembrane channel like 1; plus strand). Cytogenetic location: 9q21.13.
Variant type: single nucleotide variant.
Coding change: c.624C>A on transcript NM_138691.3 (MANE Select); coding-DNA position 624, C replaced by A.
Protein change: p.Ser208Arg; replaces serine 208 with arginine.
Molecular consequence: missense variant.
Genome position (GRCh38, 1-based): chr9:72,751,938, C>A. VCF-style: chr9-72751938-C-A. GRCh37 (hg19) VCF-style: chr9-75366854-C-A.
Other names: short protein forms S208R.
Identifiers: ClinVar variation 417922 (VCV000417922.2), dbSNP rs781747541, ClinGen allele CA5081731.